The following is an entry in ClinVar:

ClinVar aggregate classification (germline): Uncertain significance (1 of 4 stars; one submission).

Submission:

CeGaT Center for Human Genetics Tuebingen
Classification: Uncertain significance. Last evaluated: 2025-05-01. Review status: criteria provided, single submitter. Criteria: CeGaT Center For Human Genetics Tuebingen Variant Classification Criteria Version 2. Collection method: clinical testing. Allele origin: germline. Affected: yes. Observed: 1 variant allele.
Comment: ENG: PM2, PM5, BP4

NM_001114753.3(ENG):c.833C>T (p.Ser278Phe)

Gene: ENG (endoglin; minus strand). Cytogenetic location: 9q34.11.
Variant type: single nucleotide variant.
Coding change: c.833C>T on transcript NM_001114753.3 (MANE Select); coding-DNA position 833, C replaced by T.
Protein change: p.Ser278Phe; replaces serine 278 with phenylalanine.
Molecular consequence: missense variant.
Genome position (GRCh38, 1-based): chr9:127,824,958, G>A on the plus strand (C>T on the coding strand, the complement: ENG is on the minus strand). VCF-style: chr9-127824958-G-A. GRCh37 (hg19) VCF-style: chr9-130587237-G-A.
Other names: c.833C>T, p.Ser278Phe (NM_000118.4, NM_001406715.1); c.287C>T, p.Ser96Phe (NM_001278138.2); short protein forms S278F, S96F.
Identifiers: ClinVar variation 3905706 (VCV003905706.10).